The following is an entry in ClinVar:

ClinVar aggregate classification (germline): Uncertain significance (1 of 4 stars; one submission).

Conditions:
Glycogen storage disease IXa1. Also called: LIVER GLYCOGENOSIS, X-LINKED, TYPE I; GLYCOGEN STORAGE DISEASE VIII; GSD VIII; Glycogen storage disease 8. Identifiers: Orphanet 264580, MedGen C3694531, MONDO:0010598, OMIM 306000.

Submission:

Labcorp Genetics (formerly Invitae), Labcorp
Classification: Uncertain significance for Glycogen storage disease IXa1. Last evaluated: 2020-10-20. Review status: criteria provided, single submitter. Criteria: Invitae Variant Classification Sherloc (09022015). Collection method: clinical testing. Allele origin: germline.
Comment: This sequence change replaces valine with glutamic acid at codon 1164 of the PHKA2 protein (p.Val1164Glu). The valine residue is highly conserved and there is a moderate physicochemical difference between valine and glutamic acid. This variant is not present in population databases (ExAC no frequency). This variant has been observed in individual(s) with glycogen storage disease type IXa (external communication). Algorithms developed to predict the effect of missense changes on protein structure and function (SIFT, PolyPhen-2, Align-GVGD) all suggest that this variant is likely to be disruptive, but these predictions have not been confirmed by published functional studies and their clinical significance is uncertain. In summary, the available evidence is currently insufficient to determine the role of this variant in disease. Therefore, it has been classified as a Variant of Uncertain Significance.

NM_000292.3(PHKA2):c.3491T>A (p.Val1164Glu)

Genes: PHKA2 (phosphorylase kinase regulatory subunit alpha 2; minus strand), PHKA2-AS1 (PHKA2 antisense RNA 1; plus strand). Cytogenetic location: Xp22.13.
Variant type: single nucleotide variant.
Coding change: c.3491T>A on transcript NM_000292.3 (MANE Select); coding-DNA position 3491, T replaced by A.
Protein change: p.Val1164Glu; replaces valine 1164 with glutamic acid.
Molecular consequence: missense variant. On other transcripts: non-coding transcript variant (1).
Genome position (GRCh38, 1-based): chrX:18,894,250, A>T on the plus strand (T>A on the coding strand, the complement: PHKA2 is on the minus strand). VCF-style: chrX-18894250-A-T. GRCh37 (hg19) VCF-style: chrX-18912368-A-T.
Other names: short protein forms V1164E.
Identifiers: ClinVar variation 1062162 (VCV001062162.9), dbSNP rs2147802543, ClinGen allele CA412375236.
Genomic context (GRCh38, chrX:18,894,250, plus strand): 5'-CCTGGCACCCCCACCTGGTCCTGCAAGAACAGCTGACTGGCCATCTGCACGATCTGGTCC[A>T]CGTGGATGATGCCCCCGATGCTGGTCATCTCCGTGTCCGAGAGCAGCGTCAGCACCATGA-3'
Protein context (NP_000283.1, residues 1154-1174): EMTSIGGIIH[Val1164Glu]DQIVQMASQL